The following is an entry in ClinVar:

ClinVar aggregate classification (germline): Uncertain significance. Review status: criteria provided, multiple submitters, no conflicts (2 of 4 stars). 2 submissions from 2 submitters: Uncertain significance (2). Last evaluated 2021-09-25.

Conditions:
Epilepsy, childhood absence, susceptibility to, 6. Identifiers: Orphanet 64280, MedGen C2749872, MONDO:0012763, OMIM 611942.
Hyperaldosteronism, familial, type IV (HALD4). Also called: FH IV; ALDOSTERONISM, PRIMARY, AND HYPERTENSION. Identifiers: Orphanet 642671, MedGen C4310756, MONDO:0014875, OMIM 617027.
Idiopathic generalized epilepsy. Also called: Generalised epilepsy; EIG. Identifiers: MedGen C0270850, MONDO:0005579, OMIM 600669.

gnomAD v4.1: 28 of 1,600,436 alleles (0.0017%); highest among the groups gnomAD compares: Non-Finnish European, 0.002%; no homozygotes.

Submissions (2):

Fulgent Genetics
Classification: Uncertain significance for Epilepsy, childhood absence, susceptibility to, 6; Hyperaldosteronism, familial, type IV. Last evaluated: 2021-09-25. Review status: criteria provided, single submitter. Criteria: ACMG Guidelines, 2015. Collection method: clinical testing. Allele origin: unknown.

Labcorp Genetics (formerly Invitae), Labcorp
Classification: Uncertain significance for Idiopathic generalized epilepsy; Hyperaldosteronism, familial, type IV. Last evaluated: 2021-03-29. Review status: criteria provided, single submitter. Criteria: Invitae Variant Classification Sherloc (09022015). Collection method: clinical testing. Allele origin: germline.
Comment: In summary, the available evidence is currently insufficient to determine the role of this variant in disease. Therefore, it has been classified as a Variant of Uncertain Significance. Advanced modeling of protein sequence and biophysical properties (such as structural, functional, and spatial information, amino acid conservation, physicochemical variation, residue mobility, and thermodynamic stability) performed at Invitae indicates that this missense variant is not expected to disrupt CACNA1H protein function. This missense change has been observed in individual(s) with childhood absence epilepsy (PMID: 12891677). This variant is present in population databases (rs119454947, ExAC 0.008%). This sequence change replaces phenylalanine with leucine at codon 161 of the CACNA1H protein (p.Phe161Leu). The phenylalanine residue is highly conserved and there is a small physicochemical difference between phenylalanine and leucine.

Literature cited by the submitters: PubMed 12891677 (cited by Labcorp Genetics (formerly Invitae), Labcorp).

NM_021098.3(CACNA1H):c.483C>G (p.Phe161Leu)

Gene: CACNA1H (calcium voltage-gated channel subunit alpha1 H; plus strand). Cytogenetic location: 16p13.3.
Variant type: single nucleotide variant.
Coding change: c.483C>G on transcript NM_021098.3 (MANE Select); coding-DNA position 483, C replaced by G.
Protein change: p.Phe161Leu; replaces phenylalanine 161 with leucine.
Molecular consequence: missense variant.
Genome position (GRCh38, 1-based): chr16:1,195,503, C>G. VCF-style: chr16-1195503-C-G. GRCh37 (hg19) VCF-style: chr16-1245503-C-G.
Other names: c.483C>G, p.Phe161Leu (NM_001005407.2); short protein forms F161L.
Identifiers: ClinVar variation 1444560 (VCV001444560.9), dbSNP rs119454947, ClinGen allele CA7799443.
Genomic context (GRCh38, chr16:1,195,503, plus strand): 5'-CTTCATTTTCGCCTTTTTTGCGGTGGAGATGGTCATCAAGATGGTGGCCTTGGGGCTGTT[C>G]GGGCAGAAGTGTTACCTGGGTGACACGTGGAACAGGCTGGATTTCTTCATCGTCGTGGCG-3'
Protein context (NP_066921.2, residues 151-171): MVIKMVALGL[Phe161Leu]GQKCYLGDTW